The following is an entry in ClinVar:

ClinVar aggregate classification (germline): Uncertain significance (1 of 4 stars; one submission).

Conditions:
Nemaline myopathy 2 (NEM2). Also called: Nemaline myopathy 2, autosomal recessive. Identifiers: MedGen C1850569, MONDO:0009725, OMIM 256030.

Submission:

Labcorp Genetics (formerly Invitae), Labcorp
Classification: Uncertain significance for Nemaline myopathy 2. Last evaluated: 2022-03-09. Review status: criteria provided, single submitter. Criteria: Invitae Variant Classification Sherloc (09022015). Collection method: clinical testing. Allele origin: germline.
Comment: In summary, the available evidence is currently insufficient to determine the role of this variant in disease. Therefore, it has been classified as a Variant of Uncertain Significance. Algorithms developed to predict the effect of missense changes on protein structure and function output the following: SIFT: "Deleterious"; PolyPhen-2: "Not Available"; Align-GVGD: "Class C0". The arginine amino acid residue is found in multiple mammalian species, which suggests that this missense change does not adversely affect protein function. ClinVar contains an entry for this variant (Variation ID: 947277). This variant has not been reported in the literature in individuals affected with NEB-related conditions. This variant is not present in population databases (gnomAD no frequency). This sequence change replaces lysine, which is basic and polar, with arginine, which is basic and polar, at codon 6605 of the NEB protein (p.Lys6605Arg).

NM_001164508.2(NEB):c.19814A>G (p.Lys6605Arg)

Gene: NEB (nebulin; minus strand). Cytogenetic location: 2q23.3.
Variant type: single nucleotide variant.
Coding change: c.19814A>G on transcript NM_001164508.2 (MANE Select); coding-DNA position 19814, A replaced by G.
Protein change: p.Lys6605Arg; replaces lysine 6605 with arginine.
Molecular consequence: missense variant.
Genome position (GRCh38, 1-based): chr2:151,552,694, T>C on the plus strand (A>G on the coding strand, the complement: NEB is on the minus strand). VCF-style: chr2-151552694-T-C. GRCh37 (hg19) VCF-style: chr2-152409208-T-C.
Other names: c.19814A>G, p.Lys6605Arg (NM_001164507.2, NM_001271208.2); c.14711A>G, p.Lys4904Arg (NM_004543.5); short protein forms K4904R, K6605R.
Identifiers: ClinVar variation 947277 (VCV000947277.9), dbSNP rs2095412206, ClinGen allele CA348787655.